The following is an entry in ClinVar:

ClinVar aggregate classification (germline): Conflicting classifications of pathogenicity. Review status: criteria provided, conflicting classifications (1 of 4 stars). 6 submissions from 6 submitters: Uncertain significance (1); Likely benign (4). 1 of the submissions does not count toward it. Last evaluated 2026-02-02.

Conditions:
FRAS1-related disorder. Also called: FRAS1-related condition.
Fraser syndrome 1 (FRASRS1). Also called: CRYPTOPHTHALMOS WITH OTHER MALFORMATIONS. Identifiers: Orphanet 2052, MedGen C4551480, MONDO:0054737, OMIM 219000.

Allele frequency attached by ClinVar (database versions not stated): ESP Exome Variant Server 0.00033; gnomAD 0.00041 and 0.00042; TOPMed 0.00042; ExAC 0.00079; gnomAD exomes 0.00088.
gnomAD v4.1: 859 of 1,579,258 alleles (0.054%); highest among the groups gnomAD compares: Middle Eastern, 1.3%; 9 homozygotes.

Submissions (6):

Labcorp Genetics (formerly Invitae), Labcorp
Classification: Likely benign. Last evaluated: 2026-02-02. Review status: criteria provided, single submitter. Criteria: Invitae Variant Classification Sherloc (09022015). Collection method: clinical testing. Allele origin: germline.

Mayo Clinic Laboratories, Mayo Clinic
Classification: Likely benign. Last evaluated: 2025-03-30. Review status: criteria provided, single submitter. Criteria: ACMG Guidelines, 2015. Collection method: clinical testing. Allele origin: germline. Observed: 1 variant allele.
Comment: BS1, BP4, BP7

CeGaT Center for Human Genetics Tuebingen
Classification: Likely benign. Last evaluated: 2025-03-01. Review status: criteria provided, single submitter. Criteria: CeGaT Center For Human Genetics Tuebingen Variant Classification Criteria Version 2. Collection method: clinical testing. Allele origin: germline. Affected: yes. Observed: 1 variant allele.
Comment: FRAS1: BP4, BP7

Blueprint Genetics
Classification: Likely benign. Last evaluated: 2024-11-13. Review status: criteria provided, single submitter. Criteria: ACMG Guidelines, 2015. Collection method: clinical testing. Allele origin: germline.

Illumina Laboratory Services, Illumina
Classification: Uncertain significance for Fraser syndrome 1. Last evaluated: 2018-01-12. Review status: criteria provided, single submitter. Criteria: ICSL Variant Classification Criteria 13 December 2019. Collection method: clinical testing. Allele origin: germline.

PreventionGenetics, part of Exact Sciences
Classification: Likely benign for FRAS1-related condition. Last evaluated: 2021-04-19. Review status: no assertion criteria provided. Collection method: clinical testing. Allele origin: germline. Not counted in ClinVar's aggregate classification.
Comment: This variant is classified as likely benign based on ACMG/AMP sequence variant interpretation guidelines (Richards et al. 2015 PMID: 25741868, with internal and published modifications).

NM_025074.7(FRAS1):c.9291G>A (p.Lys3097=)

Gene: FRAS1 (Fraser extracellular matrix complex subunit 1; plus strand). Cytogenetic location: 4q21.21.
Variant type: single nucleotide variant.
Coding change: c.9291G>A on transcript NM_025074.7 (MANE Select); coding-DNA position 9291, G replaced by A.
Protein change: p.Lys3097=; no amino-acid change (lysine 3097 retained).
Molecular consequence: synonymous variant.
Genome position (GRCh38, 1-based): chr4:78,499,896, G>A. VCF-style: chr4-78499896-G-A. GRCh37 (hg19) VCF-style: chr4-79421050-G-A.
Other names: p.Lys3097=.
Identifiers: ClinVar variation 349783 (VCV000349783.25), dbSNP rs376458338, ClinGen allele CA2978626.